The following is an entry in ClinVar:

NM_001723.7(DST):c.3460A>T (p.Lys1154Ter)

Gene: DST (dystonin; minus strand). Cytogenetic location: 6p12.1.
Variant type: single nucleotide variant.
Coding change: c.3460A>T on transcript NM_001723.7 (MANE Plus Clinical); coding-DNA position 3460, A replaced by T.
Protein change: p.Lys1154Ter; replaces lysine 1154 with a stop codon.
Molecular consequence: nonsense. On other transcripts: intron variant (10).
Genome position (GRCh38, 1-based): chr6:56,620,574, T>A on the plus strand (A>T on the coding strand, the complement: DST is on the minus strand). VCF-style: chr6-56620574-T-A. GRCh37 (hg19) VCF-style: chr6-56485372-T-A.
Other names: c.4830+3956A>T (NM_001144769.5); c.4929+3956A>T (NM_001374722.1, NM_001374736.1); c.4956+3956A>T (NM_001374734.1); c.4416+3956A>T (NM_001144770.2); c.4296+3956A>T (NM_001374730.1, NM_001386100.1, NM_183380.4 and 1 more transcripts); c.3318+3956A>T (NM_015548.5); short protein forms K1154*.
Identifiers: ClinVar variation 3748369 (VCV003748369.2).
Genomic context (GRCh38, chr6:56,620,574, plus strand): 5'-TTCTCAATTCATTTTCTGCAGCCTCCCTGACCTTCGGAAGTTCTTCCTCTACTCGGGACT[T>A]TTGTTTCTTTAGTTCAGCTACCATTCTTTCCAACTCACTTATCTTTCCTGTAAGTTTGCT-3'

ClinVar aggregate classification (germline): Pathogenic (1 of 4 stars; one submission).

Conditions:
Hereditary sensory and autonomic neuropathy type 6. Also called: HSAN VI; Neuropathy, hereditary sensory and autonomic, type VI. Identifiers: Orphanet 314381, MedGen C3539003, MONDO:0013839, OMIM 614653.
Epidermolysis bullosa simplex 3, localized or generalized intermediate, with BP230 deficiency (EBS3). Also called: Epidermolysis bullosa simplex due to BP230 deficiency; Epidermolysis bullosa simplex, autosomal recessive 2. Identifiers: Orphanet 412181, MedGen C3809470, MONDO:0014180, OMIM 615425.

gnomAD v4.1: 1 of 1,614,038 alleles (0.000062%); highest among the groups gnomAD compares: Non-Finnish European, 0.000085%; no homozygotes.

Submission:

Labcorp Genetics (formerly Invitae), Labcorp
Classification: Pathogenic for Epidermolysis bullosa simplex 3, localized or generalized intermediate, with BP230 deficiency; Hereditary sensory and autonomic neuropathy type 6. Last evaluated: 2025-08-17. Review status: criteria provided, single submitter. Criteria: Invitae Variant Classification Sherloc (09022015). Collection method: clinical testing. Allele origin: germline.
Comment: This sequence change creates a premature translational stop signal (p.Lys1154*) in the DST gene. It is expected to result in an absent or disrupted protein product. Loss-of-function variants in DST are known to be pathogenic (PMID: 22522446, 25059916, 30371979). This variant is not present in population databases (gnomAD no frequency). This variant has not been reported in the literature in individuals affected with DST-related conditions. ClinVar contains an entry for this variant (Variation ID: 3748369). For these reasons, this variant has been classified as Pathogenic.

Literature cited by the submitters: PubMed 22522446; PubMed 25059916; PubMed 30371979.